The following is an entry in ClinVar:

ClinVar aggregate classification (germline): Likely benign. Review status: criteria provided, multiple submitters, no conflicts (2 of 4 stars). 3 submissions from 3 submitters: Likely benign (2). 1 of the submissions does not count toward it. Last evaluated 2025-06-05.

Conditions:
SCARB2-related disorder. Also called: SCARB2-related condition.
Progressive myoclonic epilepsy. Also called: Familial progressive myoclonic epilepsy; Myoclonic Epilepsies, Progressive; Myoclonus epilepsy; Progressive myoclonus epilepsy. Identifiers: Orphanet 308, Orphanet 98261, MedGen C0751778, MONDO:0020074.

Allele frequency attached by ClinVar (database versions not stated): TOPMed 0.00001; gnomAD 0.00003 and 0.00004; gnomAD exomes 0.00003 and 0.00005; ExAC 0.00007.
gnomAD v4.1: 79 of 1,614,040 alleles (0.0049%); highest among the groups gnomAD compares: South Asian, 0.042%; 2 homozygotes.

Submissions (3):

Labcorp Genetics (formerly Invitae), Labcorp
Classification: Likely benign for Progressive myoclonic epilepsy. Last evaluated: 2025-06-05. Review status: criteria provided, single submitter. Criteria: Invitae Variant Classification Sherloc (09022015). Collection method: clinical testing. Allele origin: germline.

GeneDx
Classification: Likely benign. Last evaluated: 2017-11-30. Review status: criteria provided, single submitter. Criteria: GeneDx Variant Classification (06012015). Collection method: clinical testing. Allele origin: germline. Affected: yes.
Comment: This variant is considered likely benign or benign based on one or more of the following criteria: it is a conservative change, it occurs at a poorly conserved position in the protein, it is predicted to be benign by multiple in silico algorithms, and/or has population frequency not consistent with disease.

PreventionGenetics, part of Exact Sciences
Classification: Likely benign for SCARB2-related condition. Last evaluated: 2024-08-28. Review status: no assertion criteria provided. Collection method: clinical testing. Allele origin: germline. Not counted in ClinVar's aggregate classification.
Comment: This variant is classified as likely benign based on ACMG/AMP sequence variant interpretation guidelines (Richards et al. 2015 PMID: 25741868, with internal and published modifications).

NM_005506.4(SCARB2):c.468C>T (p.Ile156=)

Gene: SCARB2 (scavenger receptor class B member 2; minus strand). Cytogenetic location: 4q21.1.
Variant type: single nucleotide variant.
Coding change: c.468C>T on transcript NM_005506.4 (MANE Select); coding-DNA position 468, C replaced by T.
Protein change: p.Ile156=; no amino-acid change (isoleucine 156 retained).
Molecular consequence: synonymous variant. On other transcripts: intron variant (1).
Genome position (GRCh38, 1-based): chr4:76,179,661, G>A on the plus strand (C>T on the coding strand, the complement: SCARB2 is on the minus strand). VCF-style: chr4-76179661-G-A. GRCh37 (hg19) VCF-style: chr4-77100814-G-A.
Other names: c.276-3751C>T (NM_001204255.2).
Identifiers: ClinVar variation 513689 (VCV000513689.10), dbSNP rs771468161, ClinGen allele CA2970326.